The following is an entry in ClinVar:

NM_001204.7(BMPR2):c.2319del (p.Phe773fs)

Gene: BMPR2 (bone morphogenetic protein receptor type 2; plus strand). Cytogenetic location: 2q33.2.
Variant type: Deletion.
Coding change: c.2319del on transcript NM_001204.7 (MANE Select); coding-DNA position 2319, one base deleted (T; older notation c.2319delT).
Protein change: p.Phe773fs; shifts the reading frame from phenylalanine 773.
Molecular consequence: frameshift variant.
Genome position (GRCh38, 1-based): chr2:202,555,984, T deleted; the last of 3 consecutive T bases (chr2:202,555,982-202,555,984); deleting any one gives the same sequence. VCF-style (leftmost placement, unchanged base first): chr2-202555981-AT-A. GRCh37 (hg19) VCF-style: chr2-203420704-AT-A.
Other names: short protein forms F773fs.
Identifiers: ClinVar variation 2764623 (VCV002764623.4), dbSNP rs2468743408, ClinGen allele CA2697551486.

ClinVar aggregate classification (germline): Pathogenic. Review status: criteria provided, multiple submitters, no conflicts (2 of 4 stars). 2 submissions from 2 submitters: Pathogenic (2). Last evaluated 2026-06-01.

Conditions:
Pulmonary hypertension, primary, 1 (PPH1). Also called: Pulmonary hypertension, familial primary, 1, with or without HHT. Identifiers: Orphanet 422, MedGen C4552070, MONDO:0024533, OMIM 178600.
Primary pulmonary hypertension. Also called: Idiopathic pulmonary hypertension. Identifiers: MedGen C0152171.

Submissions (2):

Victorian Clinical Genetics Services, Murdoch Childrens Research Institute
Classification: Pathogenic for Pulmonary hypertension, primary, 1. Last evaluated: 2026-06-01. Review status: criteria provided, single submitter. Criteria: ACMG Guidelines, 2015. Collection method: clinical testing. Allele origin: germline. Affected: yes.
Comment: This variant is classified as Pathogenic. Evidence in support of pathogenic classification: Variant is predicted to cause nonsense-mediated decay (NMD) and loss of protein (premature termination codon is located at least 54 nucleotides upstream of the final exon-exon junction); Variant is absent from gnomAD (v2, v3 and v4); This variant has limited previous evidence of pathogenicity in an unrelated individual(s). This variant has been reported as pathogenic by a clinical laboratory in ClinVar; Other NMD predicted variant(s) comparable to the one identified in this case have very strong previous evidence for pathogenicity (ClinVar). Additional information: This variant is heterozygous; This gene is associated with autosomal dominant disease; Loss of function is a known mechanism of disease in this gene and is associated with pulmonary hypertension, primary, 1 (MONDO:0024533). However, gain of function has been noted in relation to upregulation of p38 MAPK-dependent pro-proliferative pathways and dominant negative has also been suggested as a mechanism in relation to SMAD signalling (OMIM); The condition associated with this gene has incomplete penetrance. Incomplete penetrance has been reported for pulmonary arterial hypertension (PMID: 33380512); Variants in this gene are known to have variable expressivity (OMIM); Inheritance information for this variant is not currently available in this individual.

Labcorp Genetics (formerly Invitae), Labcorp
Classification: Pathogenic for Primary pulmonary hypertension. Last evaluated: 2023-09-30. Review status: criteria provided, single submitter. Criteria: Invitae Variant Classification Sherloc (09022015). Collection method: clinical testing. Allele origin: germline.
Comment: This sequence change creates a premature translational stop signal (p.Phe773Leufs*9) in the BMPR2 gene. It is expected to result in an absent or disrupted protein product. Loss-of-function variants in BMPR2 are known to be pathogenic (PMID: 16429395). This variant is not present in population databases (gnomAD no frequency). This variant has not been reported in the literature in individuals affected with BMPR2-related conditions. For these reasons, this variant has been classified as Pathogenic.

Literature cited by the submitters: PubMed 33380512 (cited by Victorian Clinical Genetics Services, Murdoch Childrens Research Institute); PubMed 16429395 (cited by Labcorp Genetics (formerly Invitae), Labcorp).